The following is an entry in ClinVar:

ClinVar aggregate classification (germline): Conflicting classifications of pathogenicity. Review status: criteria provided, conflicting classifications (1 of 4 stars). 5 submissions from 5 submitters: Uncertain significance (4); Likely benign (1). Last evaluated 2025-12-26.

Conditions:
SKI-related disorder. Also called: SKI-related condition.
Familial thoracic aortic aneurysm and aortic dissection (TAAD). Also called: Thoracic aortic aneurysms and dissections. Identifiers: Orphanet 91387, MedGen C4707243, MONDO:0019625.
Shprintzen-Goldberg syndrome (SGS). Also called: Marfanoid disorder with craniosynostosis type 1; Marfanoid craniosynostosis syndrome; Shprintzen-Goldberg marfanoid syndrome; SHPRINTZEN-GOLDBERG CRANIOSYNOSTOSIS SYNDROME; CRANIOSYNOSTOSIS WITH ARACHNODACTYLY AND ABDOMINAL HERNIAS. Identifiers: Orphanet 2462, MedGen C1321551, MONDO:0008426, OMIM 182212.

Allele frequency attached by ClinVar (database versions not stated): gnomAD exomes 0.00001; ExAC 0.00002; gnomAD 0.00002; TOPMed 0.00002; ESP Exome Variant Server 0.00008.
gnomAD v4.1: 15 of 1,612,298 alleles (0.00093%); highest among the groups gnomAD compares: Admixed American, 0.0033%; no homozygotes.

Submissions (5):

Ambry Genetics
Classification: Uncertain significance for Familial thoracic aortic aneurysm and aortic dissection. Last evaluated: 2025-12-26. Review status: criteria provided, single submitter. Criteria: Ambry Variant Classification Scheme 2023. Collection method: clinical testing. Allele origin: germline.
Comment: The p.S480L variant (also known as c.1439C>T), located in coding exon 4 of the SKI gene, results from a C to T substitution at nucleotide position 1439. The serine at codon 480 is replaced by leucine, an amino acid with dissimilar properties. This amino acid position is conserved. In addition, the in silico prediction for this alteration is inconclusive. Based on the available evidence, the clinical significance of this variant remains unclear.

PreventionGenetics, part of Exact Sciences
Classification: Uncertain significance for SKI-related condition. Last evaluated: 2025-09-09. Review status: criteria provided, single submitter. Criteria: ACMG Guidelines, 2015. Collection method: clinical testing. Allele origin: germline.
Comment: The SKI c.1439C>T variant is predicted to result in the amino acid substitution p.Ser480Leu. To our knowledge, this variant has not been reported in the literature. This variant is reported in 0.0033% of alleles in individuals of South Asian descent in gnomAD. At this time, the clinical significance of this variant is uncertain due to the absence of conclusive functional and genetic evidence.

Labcorp Genetics (formerly Invitae), Labcorp
Classification: Likely benign for Shprintzen-Goldberg syndrome. Last evaluated: 2024-12-09. Review status: criteria provided, single submitter. Criteria: Invitae Variant Classification Sherloc (09022015). Collection method: clinical testing. Allele origin: germline.

GeneDx
Classification: Uncertain significance. Last evaluated: 2019-08-02. Review status: criteria provided, single submitter. Criteria: GeneDx Variant Classification Process June 2021. Collection method: clinical testing. Allele origin: germline. Affected: yes.
Comment: Has not been previously published as pathogenic or benign to our knowledge; Not observed at a significant frequency in large population cohorts (Lek et al., 2016); In silico analysis, which includes protein predictors and evolutionary conservation, supports that this variant does not alter protein structure/function

New York Genome Center
Classification: Uncertain significance for Shprintzen-Goldberg syndrome. Last evaluated: 2019-07-19. Review status: criteria provided, single submitter. Criteria: NYGC Assertion Criteria 2020. Collection method: clinical testing. Allele origin: germline. Observed: 1 heterozygote. Study: CSER-NYCKidSeq.

NM_003036.4(SKI):c.1439C>T (p.Ser480Leu)

Gene: SKI (SKI proto-oncogene; plus strand). Cytogenetic location: 1p36.32.
Variant type: single nucleotide variant.
Coding change: c.1439C>T on transcript NM_003036.4 (MANE Select); coding-DNA position 1439, C replaced by T.
Protein change: p.Ser480Leu; replaces serine 480 with leucine.
Molecular consequence: missense variant.
Genome position (GRCh38, 1-based): chr1:2,304,067, C>T. VCF-style: chr1-2304067-C-T. GRCh37 (hg19) VCF-style: chr1-2235506-C-T.
Other names: short protein forms S480L.
Identifiers: ClinVar variation 992795 (VCV000992795.8), dbSNP rs367916348, ClinGen allele CA536713.